The following is an entry in ClinVar:

ClinVar aggregate classification (germline): Uncertain significance. Review status: criteria provided, multiple submitters, no conflicts (2 of 4 stars). 4 submissions from 4 submitters: Uncertain significance (4). Last evaluated 2024-07-02.

Conditions:
Inborn genetic diseases. Identifiers: MedGen C0950123, MeSH D030342.
Retinitis pigmentosa (RP). Identifiers: Orphanet 791, MedGen C0035334, MeSH D012174, MONDO:0019200, OMIM 268000. Inheritance: Autosomal dominant, autosomal recessive and X linked inheritance.

Allele frequency attached by ClinVar (database versions not stated): gnomAD exomes 0.00002; TOPMed 0.00002; ExAC 0.00003.
gnomAD v4.1: 24 of 1,612,742 alleles (0.0015%); highest among the groups gnomAD compares: South Asian, 0.0066%; no homozygotes.

Submissions (4):

Ambry Genetics
Classification: Uncertain significance for Inborn genetic diseases. Last evaluated: 2024-07-02. Review status: criteria provided, single submitter. Criteria: Ambry Variant Classification Scheme 2023. Collection method: clinical testing. Allele origin: germline.

Blueprint Genetics
Classification: Uncertain significance. Last evaluated: 2023-09-20. Review status: criteria provided, single submitter. Criteria: ACMG Guidelines, 2015. Collection method: clinical testing. Allele origin: germline.

Labcorp Genetics (formerly Invitae), Labcorp
Classification: Uncertain significance. Last evaluated: 2022-04-26. Review status: criteria provided, single submitter. Criteria: Invitae Variant Classification Sherloc (09022015). Collection method: clinical testing. Allele origin: germline.
Comment: This sequence change replaces glycine, which is neutral and non-polar, with serine, which is neutral and polar, at codon 375 of the RBP3 protein (p.Gly375Ser). This variant is present in population databases (rs527458754, gnomAD 0.01%). This variant has not been reported in the literature in individuals affected with RBP3-related conditions. ClinVar contains an entry for this variant (Variation ID: 299989). Algorithms developed to predict the effect of missense changes on protein structure and function are either unavailable or do not agree on the potential impact of this missense change (SIFT: "Tolerated"; PolyPhen-2: "Probably Damaging"; Align-GVGD: "Class C0"). In summary, the available evidence is currently insufficient to determine the role of this variant in disease. Therefore, it has been classified as a Variant of Uncertain Significance.

Illumina Laboratory Services, Illumina
Classification: Uncertain significance for Retinitis pigmentosa. Last evaluated: 2018-01-12. Review status: criteria provided, single submitter. Criteria: ICSL Variant Classification Criteria 13 December 2019. Collection method: clinical testing. Allele origin: germline.

NM_002900.3(RBP3):c.1123G>A (p.Gly375Ser)

Gene: RBP3 (retinol binding protein 3; plus strand). Cytogenetic location: 10q11.22.
Variant type: single nucleotide variant.
Coding change: c.1123G>A on transcript NM_002900.3 (MANE Select); coding-DNA position 1123, G replaced by A.
Protein change: p.Gly375Ser; replaces glycine 375 with serine.
Molecular consequence: missense variant.
Genome position (GRCh38, 1-based): chr10:47,349,607, G>A. VCF-style: chr10-47349607-G-A. GRCh37 (hg19) VCF-style: chr10-48389755-C-T.
Other names: short protein forms G375S.
Identifiers: ClinVar variation 299989 (VCV000299989.8), dbSNP rs527458754, ClinGen allele CA5487600.